The following is an entry in ClinVar:

NM_206933.4(USH2A):c.5434A>T (p.Ile1812Leu)

Genes: USH2A (usherin; minus strand), USH2A-AS2 (USH2A antisense RNA 2; plus strand). Cytogenetic location: 1q41.
Variant type: single nucleotide variant.
Coding change: c.5434A>T on transcript NM_206933.4 (MANE Select); coding-DNA position 5434, A replaced by T.
Protein change: p.Ile1812Leu; replaces isoleucine 1812 with leucine.
Molecular consequence: missense variant.
Genome position (GRCh38, 1-based): chr1:216,078,227, T>A on the plus strand (A>T on the coding strand, the complement: USH2A is on the minus strand). VCF-style: chr1-216078227-T-A. GRCh37 (hg19) VCF-style: chr1-216251569-T-A.
Other names: short protein forms I1812L.
Identifiers: ClinVar variation 991447 (VCV000991447.8), dbSNP rs372590222, ClinGen allele CA1395452.

ClinVar aggregate classification (germline): Uncertain significance. Review status: criteria provided, single submitter (1 of 4 stars). 2 submissions from 2 submitters: Uncertain significance (1). 1 of the submissions does not count toward it. Last evaluated 2023-08-17.

Conditions:
Usher syndrome type 2A. Also called: RETINAL DISEASE IN USHER SYNDROME TYPE IIA, MODIFIER OF; USHER SYNDROME, TYPE IIA. Identifiers: Orphanet 231178, Orphanet 886, MedGen C1848634, MONDO:0010169, OMIM 276901.

Allele frequency attached by ClinVar (database versions not stated): gnomAD exomes below 0.00001; ExAC 0.00001; gnomAD 0.00001; TOPMed 0.00001; ESP Exome Variant Server 0.00008.
gnomAD v4.1: 2 of 1,613,786 alleles (0.00012%); highest among the groups gnomAD compares: Non-Finnish European, 0.00017%; no homozygotes.

Submissions (2):

Labcorp Genetics (formerly Invitae), Labcorp
Classification: Uncertain significance. Last evaluated: 2023-08-17. Review status: criteria provided, single submitter. Criteria: Invitae Variant Classification Sherloc (09022015). Collection method: clinical testing. Allele origin: germline.
Comment: This sequence change replaces isoleucine, which is neutral and non-polar, with leucine, which is neutral and non-polar, at codon 1812 of the USH2A protein (p.Ile1812Leu). This variant is present in population databases (rs372590222, gnomAD 0.0009%). This variant has not been reported in the literature in individuals affected with USH2A-related conditions. ClinVar contains an entry for this variant (Variation ID: 991447). Advanced modeling of protein sequence and biophysical properties (such as structural, functional, and spatial information, amino acid conservation, physicochemical variation, residue mobility, and thermodynamic stability) performed at Invitae indicates that this missense variant is not expected to disrupt USH2A protein function. Algorithms developed to predict the effect of sequence changes on RNA splicing suggest that this variant may create or strengthen a splice site. In summary, the available evidence is currently insufficient to determine the role of this variant in disease. Therefore, it has been classified as a Variant of Uncertain Significance.

Natera, Inc.
Classification: Uncertain significance for Usher syndrome type 2A. Last evaluated: 2020-08-14. Review status: no assertion criteria provided. Collection method: clinical testing. Allele origin: germline. Not counted in ClinVar's aggregate classification.